The following is an entry in ClinVar:

NM_152296.5(ATP1A3):c.1789C>T (p.Arg597Cys)

Gene: ATP1A3 (ATPase Na+/K+ transporting subunit alpha 3; minus strand). Cytogenetic location: 19q13.2.
Variant type: single nucleotide variant.
Coding change: c.1789C>T on transcript NM_152296.5 (MANE Select); coding-DNA position 1789, C replaced by T.
Protein change: p.Arg597Cys; replaces arginine 597 with cysteine.
Molecular consequence: missense variant.
Genome position (GRCh38, 1-based): chr19:41,978,168, G>A on the plus strand (C>T on the coding strand, the complement: ATP1A3 is on the minus strand). VCF-style: chr19-41978168-G-A. GRCh37 (hg19) VCF-style: chr19-42482320-G-A.
Other names: c.1822C>T, p.Arg608Cys (NM_001256213.2); c.1828C>T, p.Arg610Cys (NM_001256214.2); c.1828C>T (NM_001256214.1); short protein forms R597C, R608C, R610C.
Identifiers: ClinVar variation 940123 (VCV000940123.6), dbSNP rs2075192084, ClinGen allele CA406045444.

ClinVar aggregate classification (germline): Uncertain significance. Review status: criteria provided, multiple submitters, no conflicts (2 of 4 stars). 2 submissions from 2 submitters: Uncertain significance (2). Last evaluated 2026-09-10.

Conditions:
ATP1A3-related disorder. Also called: ATP1A3-related condition; ATP1A3-related disorders. Identifiers: MedGen CN381097.
Dystonia 12 (DYT12). Also called: DYT-ATP1A3; Rapid-Onset Dystonia-Parkinsonism (RDP). Identifiers: Orphanet 71517, MedGen C1868681, MONDO:0007496, OMIM 128235.

Submissions (2):

PreventionGenetics, part of Exact Sciences
Classification: Uncertain significance for ATP1A3-related condition. Last evaluated: 2026-09-10. Review status: criteria provided, single submitter. Criteria: ACMG Guidelines, 2015. Collection method: clinical testing. Allele origin: germline.
Comment: The ATP1A3 c.1828C>T variant is predicted to result in the amino acid substitution p.Arg610Cys. In an alternate transcript (NM_152296.4), this variant is referred to as c.1789C>T (p.Arg597Cys). To our knowledge, this variant has not been reported in the literature or in a large population database (gnomAD), indicating this variant is rare. Of note, other variants impacting the same amino acid (p.Arg597His and p.Arg597Pro) have been reported as presumably de novo in individuals with ATP1A3-related disease (Balciuniene et al. 2019. PubMed ID: 30977854; Wenzel et al. 2017. PubMed ID: 28214263; Kim et al. 2020. PubMed ID: 31942761). Although we suspect that the c.1828C>T (p.Arg610Cys) variant may be pathogenic, at this time, the clinical significance of this variant is uncertain due to the absence of conclusive functional and genetic evidence.

Labcorp Genetics (formerly Invitae), Labcorp
Classification: Uncertain significance for Dystonia 12. Last evaluated: 2021-08-20. Review status: criteria provided, single submitter. Criteria: Invitae Variant Classification Sherloc (09022015). Collection method: clinical testing. Allele origin: germline.